The following is an entry in ClinVar:

NM_001042492.3(NF1):c.4372G>A (p.Glu1458Lys)

Gene: NF1 (neurofibromin 1; plus strand). Cytogenetic location: 17q11.2.
Variant type: single nucleotide variant.
Coding change: c.4372G>A on transcript NM_001042492.3 (MANE Select); coding-DNA position 4372, G replaced by A.
Protein change: p.Glu1458Lys; replaces glutamic acid 1458 with lysine.
Molecular consequence: missense variant.
Genome position (GRCh38, 1-based): chr17:31,259,071, G>A. VCF-style: chr17-31259071-G-A. GRCh37 (hg19) VCF-style: chr17-29586089-G-A.
Other names: c.4309G>A, p.Glu1437Lys (NM_000267.4); short protein forms E1437K, E1458K.
Identifiers: ClinVar variation 431639 (VCV000431639.7), dbSNP rs1135402858, ClinGen allele CA398998810.

ClinVar aggregate classification (germline): Pathogenic. Review status: criteria provided, multiple submitters, no conflicts (2 of 4 stars). 2 submissions from 2 submitters: Pathogenic (2). Last evaluated 2023-05-24.

Conditions:
Neurofibromatosis, type 1 (NF1). Also called: Neurofibromatosis, type I; NEUROFIBROMATOSIS, TYPE I, SOMATIC; Peripheral type neurofibromatosis; VON RECKLINGHAUSEN DISEASE. Identifiers: Orphanet 636, MedGen C0027831, MONDO:0018975, OMIM 162200. Disease mechanism: loss of function.

Submissions (2):

Labcorp Genetics (formerly Invitae), Labcorp
Classification: Pathogenic for Neurofibromatosis, type 1. Last evaluated: 2023-05-24. Review status: criteria provided, single submitter. Criteria: Invitae Variant Classification Sherloc (09022015). Collection method: clinical testing. Allele origin: germline.
Comment: For these reasons, this variant has been classified as Pathogenic. This variant disrupts the p.Glu1437 amino acid residue in NF1. Other variant(s) that disrupt this residue have been determined to be pathogenic (Invitae). This suggests that this residue is clinically significant, and that variants that disrupt this residue are likely to be disease-causing. Advanced modeling of protein sequence and biophysical properties (such as structural, functional, and spatial information, amino acid conservation, physicochemical variation, residue mobility, and thermodynamic stability) performed at Invitae indicates that this missense variant is expected to disrupt NF1 protein function. ClinVar contains an entry for this variant (Variation ID: 431639). This missense change has been observed in individual(s) with neurofibromatosis type 1 (PMID: 28961165). In at least one individual the variant was observed to be de novo. This variant is not present in population databases (gnomAD no frequency). This sequence change replaces glutamic acid, which is acidic and polar, with lysine, which is basic and polar, at codon 1437 of the NF1 protein (p.Glu1437Lys).

Medical Genetics, University of Parma
Classification: Pathogenic for Neurofibromatosis, type 1. Last evaluated: 2022-08-17. Review status: criteria provided, single submitter. Criteria: ACMG Guidelines, 2015. Collection method: clinical testing. Allele origin: germline. Inheritance: Autosomal dominant inheritance. Affected: yes.

Literature cited by the submitters: PubMed 28961165 (cited by Labcorp Genetics (formerly Invitae), Labcorp).